The following is an entry in ClinVar:

ClinVar aggregate classification (germline): Uncertain significance. Review status: criteria provided, multiple submitters, no conflicts (2 of 4 stars). 7 submissions from 7 submitters: Uncertain significance (5). 2 of the submissions do not count toward it. Last evaluated 2025-12-04.

Conditions:
Cardiovascular phenotype. Identifiers: MedGen CN230736.
Myofibrillar myopathy 4. Also called: Zaspopathy (type). Identifiers: Orphanet 98912, MedGen C4721886, MONDO:0012277, OMIM 609452.
Dilated cardiomyopathy 1C (CMD1C). Also called: CARDIOMYOPATHY, DILATED, 1C, WITH OR WITHOUT LEFT VENTRICULAR NONCOMPACTION; Cardiomyopathy, dilated, 1C, with or without LVNC. Identifiers: Orphanet 154, Orphanet 54260, MedGen C1832244, MONDO:0011094, OMIM 601493.
Hypertrophic cardiomyopathy. Also called: HYPERTROPHIC MYOCARDIOPATHY. Identifiers: Orphanet 217569, MedGen C0007194, MeSH D002312, MONDO:0005045, HP:0001639.

Allele frequency attached by ClinVar (database versions not stated): ExAC 0.00001; TOPMed 0.00020; gnomAD 0.00001 and 0.00015; gnomAD exomes 0.00001.
gnomAD v4.1: 28 of 1,614,052 alleles (0.0017%); highest among the groups gnomAD compares: South Asian, 0.0044%; no homozygotes.

Submissions (7):

Ambry Genetics
Classification: Uncertain significance for Cardiovascular phenotype. Last evaluated: 2025-12-04. Review status: criteria provided, single submitter. Criteria: Ambry Variant Classification Scheme 2023. Collection method: clinical testing. Allele origin: germline.
Comment: The p.R276C variant (also known as c.826C>T), located in coding exon 5 of the LDB3 gene, results from a C to T substitution at nucleotide position 826. The arginine at codon 276 is replaced by cysteine, an amino acid with highly dissimilar properties. This alteration has been reported in an individual with dilated cardiomyopathy; however, details were limited (Pugh TJ et al. Genet Med, 2014 Aug;16:601-8). This amino acid position is well conserved in available vertebrate species. In addition, this alteration is predicted to be deleterious by in silico analysis. Since supporting evidence is limited at this time, the clinical significance of this alteration remains unclear.

Labcorp Genetics (formerly Invitae), Labcorp
Classification: Uncertain significance for Myofibrillar myopathy 4. Last evaluated: 2024-02-24. Review status: criteria provided, single submitter. Criteria: Invitae Variant Classification Sherloc (09022015). Collection method: clinical testing. Allele origin: germline.
Comment: This sequence change replaces arginine, which is basic and polar, with cysteine, which is neutral and slightly polar, at codon 229 of the LDB3 protein (p.Arg229Cys). This variant is present in population databases (rs397517226, gnomAD 0.006%). This missense change has been observed in individual(s) with dilated cardiomyopathy (PMID: 27532257). This variant is also known as Arg276Cys. ClinVar contains an entry for this variant (Variation ID: 45556). An algorithm developed to predict the effect of missense changes on protein structure and function (PolyPhen-2) suggests that this variant is likely to be disruptive. In summary, the available evidence is currently insufficient to determine the role of this variant in disease. Therefore, it has been classified as a Variant of Uncertain Significance.

GeneDx
Classification: Uncertain significance. Last evaluated: 2023-07-10. Review status: criteria provided, single submitter. Criteria: GeneDx Variant Classification Process June 2021. Collection method: clinical testing. Allele origin: germline. Affected: yes.
Comment: Not observed at significant frequency in large population cohorts (gnomAD); In silico analysis supports that this missense variant has a deleterious effect on protein structure/function; Has not been previously published as pathogenic or benign to our knowledge; This variant is associated with the following publications: (PMID: 27532257)

Fulgent Genetics
Classification: Uncertain significance for Dilated cardiomyopathy 1C; Myofibrillar myopathy 4. Last evaluated: 2021-07-19. Review status: criteria provided, single submitter. Criteria: ACMG Guidelines, 2015. Collection method: clinical testing. Allele origin: unknown.

Clinical Molecular Genetics Laboratory, Johns Hopkins All Children's Hospital
Classification: Uncertain significance for Hypertrophic cardiomyopathy. Last evaluated: 2020-01-13. Review status: criteria provided, single submitter. Criteria: ACMG Guidelines, 2015. Collection method: clinical testing. Allele origin: germline. Inheritance: Autosomal dominant inheritance. Affected: yes. Observed: 1 heterozygote.

Cytogenetics- Mohapatra Lab, Banaras Hindu University
Classification: Pathogenic for Dilated cardiomyopathy 1C. Last evaluated: 2014-08-20. Review status: no assertion criteria provided. Collection method: case-control. Allele origin: unknown. Affected: yes. Observed: 1 variant allele. Not counted in ClinVar's aggregate classification.

Laboratory for Molecular Medicine, Mass General Brigham Personalized Medicine
Classification: Uncertain significance. Last evaluated: 2009-04-20. Review status: no assertion criteria provided. Collection method: clinical testing. Allele origin: germline. Observed: 1 variant allele. Not counted in ClinVar's aggregate classification.

Literature cited by the submitters: PubMed 24503780 (cited by Ambry Genetics); PubMed 27532257 (cited by Labcorp Genetics (formerly Invitae), Labcorp).

NM_007078.3(LDB3):c.826C>T (p.Arg276Cys)

Gene: LDB3 (LIM domain binding 3; plus strand). Cytogenetic location: 10q23.2.
Variant type: single nucleotide variant.
Coding change: c.826C>T on transcript NM_007078.3 (MANE Select); coding-DNA position 826, C replaced by T.
Protein change: p.Arg276Cys; replaces arginine 276 with cysteine.
Molecular consequence: missense variant.
Genome position (GRCh38, 1-based): chr10:86,692,032, C>T. VCF-style: chr10-86692032-C-T. GRCh37 (hg19) VCF-style: chr10-88451789-C-T.
Other names: c.685C>T, p.Arg229Cys (NM_001080114.2, NM_001368066.1, NM_001368067.1 and 2 more transcripts); c.826C>T, p.Arg276Cys (NM_001080115.2, NM_001368063.1, NM_001368064.1 and 1 more transcripts); c.1030C>T, p.Arg344Cys (NM_001171610.2, NM_001171611.2); short protein forms R229C, R276C, R344C.
Identifiers: ClinVar variation 45556 (VCV000045556.17), dbSNP rs397517226, ClinGen allele CA136636.